The following is an entry in ClinVar:

NM_145207.3(AFG2A):c.2257C>T (p.Leu753Phe)

Gene: AFG2A (AAA ATPase AFG2A; plus strand). Cytogenetic location: 4q28.1.
Variant type: single nucleotide variant.
Coding change: c.2257C>T on transcript NM_145207.3 (MANE Select); coding-DNA position 2257, C replaced by T.
Protein change: p.Leu753Phe; replaces leucine 753 with phenylalanine.
Molecular consequence: missense variant.
Genome position (GRCh38, 1-based): chr4:123,090,622, C>T. VCF-style: chr4-123090622-C-T. GRCh37 (hg19) VCF-style: chr4-124011777-C-T.
Other names: c.2254C>T, p.Leu752Phe (NM_001345856.2); short protein forms L752F, L753F.
Identifiers: ClinVar variation 1039449 (VCV001039449.9), dbSNP rs553514469, ClinGen allele CA3070693.

ClinVar aggregate classification (germline): Uncertain significance. Review status: criteria provided, multiple submitters, no conflicts (2 of 4 stars). 3 submissions from 3 submitters: Uncertain significance (3). Last evaluated 2025-01-16.

Conditions:
Microcephaly-intellectual disability-sensorineural hearing loss-epilepsy-abnormal muscle tone syndrome (NEDHSB). Also called: NEURODEVELOPMENTAL DISORDER WITH HEARING LOSS, SEIZURES, AND BRAIN ABNORMALITIES. Identifiers: Orphanet 457351, MedGen C4225276, MONDO:0014698, OMIM 616577.

Allele frequency attached by ClinVar (database versions not stated): gnomAD below 0.00001 and 0.00005; TOPMed below 0.00001; gnomAD exomes 0.00009 and 0.00019; ExAC 0.00019; 1000 Genomes Project 30x 0.00047; 1000 Genomes Project 0.00060.
gnomAD v4.1: 128 of 1,614,156 alleles (0.0079%); highest among the groups gnomAD compares: South Asian, 0.14%; 1 homozygote.

Submissions (3):

Labcorp Genetics (formerly Invitae), Labcorp
Classification: Uncertain significance for Microcephaly-intellectual disability-sensorineural hearing loss-epilepsy-abnormal muscle tone syndrome. Last evaluated: 2025-01-16. Review status: criteria provided, single submitter. Criteria: Invitae Variant Classification Sherloc (09022015). Collection method: clinical testing. Allele origin: germline.
Comment: This sequence change replaces leucine, which is neutral and non-polar, with phenylalanine, which is neutral and non-polar, at codon 753 of the SPATA5 protein (p.Leu753Phe). This variant is present in population databases (rs553514469, gnomAD 0.2%). This missense change has been observed in individual(s) with SPATA5-related conditions (internal data). In at least one individual the data is consistent with being in trans (on the opposite chromosome) from a pathogenic variant. ClinVar contains an entry for this variant (Variation ID: 1039449). Invitae Evidence Modeling of protein sequence and biophysical properties (such as structural, functional, and spatial information, amino acid conservation, physicochemical variation, residue mobility, and thermodynamic stability) has been performed for this missense variant. However, the output from this modeling did not meet the statistical confidence thresholds required to predict the impact of this variant on SPATA5 protein function. In summary, the available evidence is currently insufficient to determine the role of this variant in disease. Therefore, it has been classified as a Variant of Uncertain Significance.

Blueprint Genetics
Classification: Uncertain significance. Last evaluated: 2018-08-01. Review status: criteria provided, single submitter. Criteria: ACMG Guidelines, 2015. Collection method: clinical testing. Allele origin: germline.

Genetic Services Laboratory, University of Chicago
Classification: Uncertain significance. Last evaluated: 2017-11-02. Review status: criteria provided, single submitter. Criteria: ACMG Guidelines, 2015. Collection method: clinical testing. Allele origin: germline. Affected: no.